The following is an entry in ClinVar:

NC_000010.10:g.(?_73103946)_(73104068_?)del

Gene: SLC29A3 (solute carrier family 29 member 3; plus strand). Cytogenetic location: 10q22.1.
Variant type: Deletion.
Identifiers: ClinVar variation 3244862 (VCV003244862.1).

ClinVar aggregate classification (germline): Pathogenic (1 of 4 stars; one submission).

Conditions:
H syndrome. Also called: FAISALABAD HISTIOCYTOSIS; Histiocytosis with joint contractures and sensorineural deafness; HISTIOCYTOSIS AND LYMPHADENOPATHY WITH OR WITHOUT CUTANEOUS, CARDIAC, AND/OR ENDOCRINE FEATURES, JOINT CONTRACTURES, AND/OR DEAFNESS; HYPERPIGMENTATION, CUTANEOUS, WITH HYPERTRICHOSIS, HEPATOSPLENOMEGALY, HEART ANOMALIES, AND HYPOGONADISM WITH OR WITHOUT HEARING LOSS; PIGMENTED HYPERTRICHOSIS WITH INSULIN-DEPENDENT DIABETES MELLITUS; ROSAI-DORFMAN DISEASE, FAMILIAL. Identifiers: Orphanet 168569, MedGen C1864445, MONDO:0011273, OMIM 602782.

Submission:

Labcorp Genetics (formerly Invitae), Labcorp
Classification: Pathogenic for H syndrome. Last evaluated: 2023-04-22. Review status: criteria provided, single submitter. Criteria: Invitae Variant Classification Sherloc (09022015). Collection method: clinical testing. Allele origin: unknown.
Comment: For these reasons, this variant has been classified as Pathogenic. This variant has not been reported in the literature in individuals affected with SLC29A3-related conditions. This variant is a gross deletion of the genomic region encompassing exon(s) 3 of the SLC29A3 gene. This deletion is out-of-frame, and is expected to create a premature termination codon and result in an absent or disrupted protein product. Loss-of-function variants in SLC29A3 are known to be pathogenic (PMID: 19336477, 20595384, 23406517, 25963354).

Literature cited by the submitters: PubMed 19336477; PubMed 20595384; PubMed 23406517; PubMed 25963354.